The following is an entry in ClinVar:

NM_001267550.2(TTN):c.47060G>A (p.Ser15687Asn)

Genes: TTN (titin; minus strand), TTN-AS1 (TTN antisense RNA 1; plus strand). Cytogenetic location: 2q31.2.
Variant type: single nucleotide variant.
Coding change: c.47060G>A on transcript NM_001267550.2 (MANE Select); coding-DNA position 47060, G replaced by A.
Protein change: p.Ser15687Asn; replaces serine 15687 with asparagine.
Molecular consequence: missense variant.
Genome position (GRCh38, 1-based): chr2:178,618,398, C>T on the plus strand (G>A on the coding strand, the complement: TTN is on the minus strand). VCF-style: chr2-178618398-C-T. GRCh37 (hg19) VCF-style: chr2-179483125-C-T.
Other names: c.42137G>A, p.Ser14046Asn (NM_001256850.1); c.19865G>A, p.Ser6622Asn (NM_003319.4); c.39356G>A, p.Ser13119Asn (NM_133378.4); c.20240G>A, p.Ser6747Asn (NM_133432.3); c.20441G>A, p.Ser6814Asn (NM_133437.4); short protein forms S6747N, S13119N, S14046N, S15687N, S6622N, S6814N.
Identifiers: ClinVar variation 1783868 (VCV001783868.3), dbSNP rs2057732244, ClinGen allele CA349620258.

ClinVar aggregate classification (germline): Uncertain significance. Review status: criteria provided, multiple submitters, no conflicts (2 of 4 stars). 2 submissions from 2 submitters: Uncertain significance (2). Last evaluated 2026-08-18.

Conditions:
Cardiovascular phenotype. Identifiers: MedGen CN230736.
TTN-related disorder. Also called: TTN-related disorders; TTN-related condition; TTN-related disease.

Allele frequency attached by ClinVar (database versions not stated): gnomAD exomes below 0.00001; TOPMed below 0.00001; gnomAD 0.00001.
gnomAD v4.1: 4 of 1,612,322 alleles (0.00025%); highest among the groups gnomAD compares: Non-Finnish European, 0.00034%; no homozygotes.

Submissions (2):

PreventionGenetics, part of Exact Sciences
Classification: Uncertain significance for TTN-related condition. Last evaluated: 2026-08-18. Review status: criteria provided, single submitter. Criteria: ACMG Guidelines, 2015. Collection method: clinical testing. Allele origin: germline.
Comment: The TTN c.47060G>A variant is predicted to result in the amino acid substitution p.Ser15687Asn. To our knowledge, this variant has not been reported in the literature or in a large population database (gnomAD), indicating this variant is rare. At this time, the clinical significance of this variant is uncertain due to the absence of conclusive functional and genetic evidence.

Ambry Genetics
Classification: Uncertain significance for Cardiovascular phenotype. Last evaluated: 2018-09-06. Review status: criteria provided, single submitter. Criteria: Ambry Variant Classification Scheme 2023. Collection method: clinical testing. Allele origin: germline.
Comment: The p.S6622N variant (also known as c.19865G>A), located in coding exon 79 of the TTN gene, results from a G to A substitution at nucleotide position 19865. The serine at codon 6622 is replaced by asparagine, an amino acid with highly similar properties. This amino acid position is highly conserved in available vertebrate species. In addition, this alteration is predicted to be tolerated by in silico analysis. Since supporting evidence is limited at this time, the clinical significance of this alteration remains unclear.